The following is an entry in ClinVar:

NM_001278512.2(AP3B2):c.3156-1G>C

Genes: CPEB1-AS1 (CPEB1 antisense RNA 1; plus strand), AP3B2 (adaptor related protein complex 3 subunit beta 2; minus strand). Cytogenetic location: 15q25.2.
Variant type: single nucleotide variant.
Coding change: c.3156-1G>C on transcript NM_001278512.2 (MANE Select); the canonical splice acceptor site of the intron before coding-DNA position 3156, G replaced by C.
Molecular consequence: splice acceptor variant.
Genome position (GRCh38, 1-based): chr15:82,659,711, C>G on the plus strand (G>C on the coding strand, the complement: AP3B2 is on the minus strand). VCF-style: chr15-82659711-C-G. GRCh37 (hg19) VCF-style: chr15-83328463-C-G.
Other names: c.3003-1G>C (NM_001278511.2); c.3099-1G>C (NM_004644.5); c.288-1G>C (NM_001348441.2).
Identifiers: ClinVar variation 2823052 (VCV002823052.3), dbSNP rs2548691881, ClinGen allele CA393305560.

ClinVar aggregate classification (germline): Uncertain significance (1 of 4 stars; one submission).

Submission:

Labcorp Genetics (formerly Invitae), Labcorp
Classification: Uncertain significance. Last evaluated: 2022-12-31. Review status: criteria provided, single submitter. Criteria: Invitae Variant Classification Sherloc (09022015). Collection method: clinical testing. Allele origin: germline.
Comment: Variants that disrupt the consensus splice site are a relatively common cause of aberrant splicing (PMID: 17576681, 9536098). Algorithms developed to predict the effect of sequence changes on RNA splicing suggest that this variant may disrupt the consensus splice site. In summary, the available evidence is currently insufficient to determine the role of this variant in disease. Therefore, it has been classified as a Variant of Uncertain Significance. This variant has not been reported in the literature in individuals affected with AP3B2-related conditions. This variant is not present in population databases (gnomAD no frequency). This sequence change affects an acceptor splice site in intron 25 of the AP3B2 gene. While this variant is not anticipated to result in nonsense mediated decay, it likely alters RNA splicing and results in a disrupted protein product.

Literature cited by the submitters: PubMed 17576681; PubMed 9536098.